The following is an entry in ClinVar:

NM_000629.3(IFNAR1):c.1083G>T (p.Val361=)

Gene: IFNAR1 (interferon alpha and beta receptor subunit 1; plus strand). Cytogenetic location: 21q22.11.
Variant type: single nucleotide variant.
Coding change: c.1083G>T on transcript NM_000629.3 (MANE Select); coding-DNA position 1083, G replaced by T.
Protein change: p.Val361=; no amino-acid change (valine 361 retained).
Molecular consequence: synonymous variant.
Genome position (GRCh38, 1-based): chr21:33,349,483, G>T. VCF-style: chr21-33349483-G-T. GRCh37 (hg19) VCF-style: chr21-34721789-G-T.
Other names: c.1083G>T, p.Val361= (NM_001384498.1, NM_001384499.1, NM_001384503.1); c.321G>T, p.Val107= (NM_001384500.1); c.1068G>T, p.Val356= (NM_001384501.1); c.621G>T, p.Val207= (NM_001384502.1); c.876G>T, p.Val292= (NM_001384504.1).
Identifiers: ClinVar variation 1577619 (VCV001577619.13), dbSNP rs977884960, ClinGen allele CA320147322.

ClinVar aggregate classification (germline): Likely benign. Review status: criteria provided, multiple submitters, no conflicts (2 of 4 stars). 2 submissions from 2 submitters: Likely benign (2). Last evaluated 2025-12-01.

Allele frequency attached by ClinVar (database versions not stated): gnomAD exomes 0.00002 and 0.00006; gnomAD 0.00018 and 0.00019; TOPMed 0.00032.
gnomAD v4.1: 55 of 1,611,418 alleles (0.0034%); highest among the groups gnomAD compares: Admixed American, 0.085%; no homozygotes.

Submissions (2):

CeGaT Center for Human Genetics Tuebingen
Classification: Likely benign. Last evaluated: 2025-12-01. Review status: criteria provided, single submitter. Criteria: CeGaT Center For Human Genetics Tuebingen Variant Classification Criteria Version 2. Collection method: clinical testing. Allele origin: germline. Affected: yes. Observed: 1 variant allele.
Comment: IFNAR1: BP4, BP7

Labcorp Genetics (formerly Invitae), Labcorp
Classification: Likely benign. Last evaluated: 2025-06-29. Review status: criteria provided, single submitter. Criteria: Invitae Variant Classification Sherloc (09022015). Collection method: clinical testing. Allele origin: germline.